The following is an entry in ClinVar:

NM_000245.4(MET):c.3164T>G (p.Leu1055Arg)

Gene: MET (MET proto-oncogene, receptor tyrosine kinase; plus strand). Cytogenetic location: 7q31.2.
Variant type: single nucleotide variant.
Coding change: c.3164T>G on transcript NM_000245.4 (MANE Select); coding-DNA position 3164, T replaced by G.
Protein change: p.Leu1055Arg; replaces leucine 1055 with arginine.
Molecular consequence: missense variant.
Genome position (GRCh38, 1-based): chr7:116,775,016, T>G. VCF-style: chr7-116775016-T-G. GRCh37 (hg19) VCF-style: chr7-116415070-T-G.
Other names: c.3218T>G, p.Leu1073Arg (NM_001127500.3); c.1874T>G, p.Leu625Arg (NM_001324402.2); short protein forms L625R, L1055R, L1073R.
Identifiers: ClinVar variation 3872324 (VCV003872324.2).

ClinVar aggregate classification (germline): Uncertain significance. Review status: criteria provided, multiple submitters, no conflicts (2 of 4 stars). 2 submissions from 2 submitters: Uncertain significance (2). Last evaluated 2025-10-11.

Conditions:
Renal cell carcinoma. Identifiers: Orphanet 217071, MedGen C0007134, MeSH D002292, MONDO:0005086, HP:0005584.
Hereditary cancer-predisposing syndrome. Also called: Tumor predisposition; Neoplastic Syndromes, Hereditary; Hereditary Cancer Syndrome; Hereditary neoplastic syndrome. Identifiers: Orphanet 140162, MedGen C0027672, MeSH D009386, MONDO:0015356.

Submissions (2):

Labcorp Genetics (formerly Invitae), Labcorp
Classification: Uncertain significance for Renal cell carcinoma. Last evaluated: 2025-10-11. Review status: criteria provided, single submitter. Criteria: Invitae Variant Classification Sherloc (09022015). Collection method: clinical testing. Allele origin: germline.
Comment: This sequence change replaces leucine, which is neutral and non-polar, with arginine, which is basic and polar, at codon 1073 of the MET protein (p.Leu1073Arg). This variant is not present in population databases (gnomAD no frequency). This variant has not been reported in the literature in individuals affected with MET-related conditions. ClinVar contains an entry for this variant (Variation ID: 3872324). Invitae Evidence Modeling of protein sequence and biophysical properties (such as structural, functional, and spatial information, amino acid conservation, physicochemical variation, residue mobility, and thermodynamic stability) indicates that this missense variant is not expected to disrupt MET protein function with a negative predictive value of 80%. In summary, the available evidence is currently insufficient to determine the role of this variant in disease. Therefore, it has been classified as a Variant of Uncertain Significance.

Ambry Genetics
Classification: Uncertain significance for Hereditary cancer-predisposing syndrome. Last evaluated: 2025-02-02. Review status: criteria provided, single submitter. Criteria: Ambry Variant Classification Scheme 2023. Collection method: clinical testing. Allele origin: germline.
Comment: The p.L1073R variant (also known as c.3218T>G), located in coding exon 14 of the MET gene, results from a T to G substitution at nucleotide position 3218. The leucine at codon 1073 is replaced by arginine, an amino acid with dissimilar properties. This amino acid position is conserved. In addition, the in silico prediction for this alteration is inconclusive. Based on the available evidence, the clinical significance of this variant remains unclear.